The following is an entry in ClinVar:

NC_000015.9:g.(?_43294733)_(43299502_?)del

Gene: UBR1 (ubiquitin protein ligase E3 component n-recognin 1; minus strand). Cytogenetic location: 15q15.2.
Variant type: Deletion.
Identifiers: ClinVar variation 3243924 (VCV003243924.1).

ClinVar aggregate classification (germline): Pathogenic (1 of 4 stars; one submission).

Submission:

Labcorp Genetics (formerly Invitae), Labcorp
Classification: Pathogenic. Last evaluated: 2023-03-21. Review status: criteria provided, single submitter. Criteria: Invitae Variant Classification Sherloc (09022015). Collection method: clinical testing. Allele origin: unknown.
Comment: For these reasons, this variant has been classified as Pathogenic. This variant disrupts a region of the UBR1 protein in which other variant(s) (p.Gln1102Glu) have been determined to be pathogenic (PMID: 21931868). This suggests that this is a clinically significant region of the protein, and that variants that disrupt it are likely to be disease-causing. This variant has not been reported in the literature in individuals affected with UBR1-related conditions. This variant is a gross deletion of the genomic region encompassing exon(s) 30-32 of the UBR1 gene. This variant would be expected to be in-frame, preserving the integrity of the reading frame.

Literature cited by the submitters: PubMed 21931868.